The following is an entry in ClinVar:

ClinVar aggregate classification (germline): Uncertain significance (1 of 4 stars; one submission).

Conditions:
Aortic valve disease 2 (AOVD2). Identifiers: MedGen C3542024, MONDO:0013902, OMIM 614823.

Submission:

Labcorp Genetics (formerly Invitae), Labcorp
Classification: Uncertain significance for Aortic valve disease 2. Last evaluated: 2025-05-14. Review status: criteria provided, single submitter. Criteria: Invitae Variant Classification Sherloc (09022015). Collection method: clinical testing. Allele origin: germline.
Comment: This sequence change replaces glycine, which is neutral and non-polar, with aspartic acid, which is acidic and polar, at codon 299 of the TBX5 protein (p.Gly299Asp). This variant is not present in population databases (gnomAD no frequency). This variant has not been reported in the literature in individuals affected with TBX5-related conditions. Invitae Evidence Modeling of protein sequence and biophysical properties (such as structural, functional, and spatial information, amino acid conservation, physicochemical variation, residue mobility, and thermodynamic stability) indicates that this missense variant is not expected to disrupt TBX5 protein function with a negative predictive value of 80%. In summary, the available evidence is currently insufficient to determine the role of this variant in disease. Therefore, it has been classified as a Variant of Uncertain Significance.

NM_181486.4(TBX5):c.896G>A (p.Gly299Asp)

Gene: TBX5 (T-box transcription factor 5; minus strand). Cytogenetic location: 12q24.21.
Variant type: single nucleotide variant.
Coding change: c.896G>A on transcript NM_181486.4 (MANE Select); coding-DNA position 896, G replaced by A.
Protein change: p.Gly299Asp; replaces glycine 299 with aspartic acid.
Molecular consequence: missense variant.
Genome position (GRCh38, 1-based): chr12:114,366,251, C>T on the plus strand (G>A on the coding strand, the complement: TBX5 is on the minus strand). VCF-style: chr12-114366251-C-T. GRCh37 (hg19) VCF-style: chr12-114804056-C-T.
Other names: c.896G>A, p.Gly299Asp (NM_000192.3); c.746G>A, p.Gly249Asp (NM_080717.4); short protein forms G249D, G299D.
Identifiers: ClinVar variation 4804997 (VCV004804997.1).
Genomic context (GRCh38, chr12:114,366,251, plus strand): 5'-TGGCTATGCTCCTGGGGCAGTGGGTATGGGTTGGGTGGAGGCAGGAGGTCCTGGGAGGGG[C>T]CGGAAACACCATTCTCACACTGGTATTGGGACCCCAAATTGGATGAGGTGGAGAGAGCTC-3'
Protein context (NP_852259.1, residues 289-309): SQYQCENGVS[Gly299Asp]PSQDLLPPPN